The following is an entry in ClinVar:

ClinVar aggregate classification (germline): Likely benign (1 of 4 stars; one submission).

Conditions:
SUCO-related disorder. Also called: SUCO-related condition.

gnomAD v4.1: 68 of 1,613,804 alleles (0.0042%); highest among the groups gnomAD compares: East Asian, 0.12%; 2 homozygotes.

Submission:

PreventionGenetics, part of Exact Sciences
Classification: Likely benign for SUCO-related condition. Last evaluated: 2026-02-06. Review status: criteria provided, single submitter. Criteria: ACMG Guidelines, 2015. Collection method: clinical testing. Allele origin: germline.
Comment: This variant is classified as likely benign based on ACMG/AMP sequence variant interpretation guidelines (Richards et al. 2015 PMID: 25741868, with internal and published modifications).

NM_016227.4(SUCO):c.65C>T (p.Pro22Leu)

Genes: SUCO (SUN domain containing ossification factor; plus strand), LOC129931912 (ATAC-STARR-seq lymphoblastoid active region 2093; plus strand). Cytogenetic location: 1q24.3.
Variant type: single nucleotide variant.
Coding change: c.65C>T on transcript NM_016227.4; coding-DNA position 65, C replaced by T.
Protein change: p.Pro22Leu; replaces proline 22 with leucine.
Molecular consequence: missense variant.
Genome position (GRCh38, 1-based): chr1:172,532,537, C>T. VCF-style: chr1-172532537-C-T. GRCh37 (hg19) VCF-style: chr1-172501677-C-T.
Other names: short protein forms P22L.
Identifiers: ClinVar variation 4977556 (VCV004977556.1).